The following is an entry in ClinVar:

ClinVar aggregate classification (germline): Uncertain significance (1 of 4 stars; one submission).

Conditions:
Hereditary cancer-predisposing syndrome. Also called: Neoplastic Syndromes, Hereditary; Tumor predisposition; Hereditary neoplastic syndrome; Hereditary Cancer Syndrome. Identifiers: Orphanet 140162, MedGen C0027672, MeSH D009386, MONDO:0015356.

Submission:

Ambry Genetics
Classification: Uncertain significance for Hereditary cancer-predisposing syndrome. Last evaluated: 2024-05-07. Review status: criteria provided, single submitter. Criteria: Ambry Variant Classification Scheme 2023. Collection method: clinical testing. Allele origin: germline.
Comment: The p.P1389S variant (also known as c.4165C>T), located in coding exon 33 of the POLE gene, results from a C to T substitution at nucleotide position 4165. The proline at codon 1389 is replaced by serine, an amino acid with similar properties. This amino acid position is conserved. In addition, this alteration is predicted to be deleterious by in silico analysis. Based on the available evidence, the clinical significance of this variant remains unclear.

NM_006231.4(POLE):c.4165C>T (p.Pro1389Ser)

Gene: POLE (DNA polymerase epsilon, catalytic subunit; minus strand). Cytogenetic location: 12q24.33.
Variant type: single nucleotide variant.
Coding change: c.4165C>T on transcript NM_006231.4 (MANE Select); coding-DNA position 4165, C replaced by T.
Protein change: p.Pro1389Ser; replaces proline 1389 with serine.
Molecular consequence: missense variant.
Genome position (GRCh38, 1-based): chr12:132,643,962, G>A on the plus strand (C>T on the coding strand, the complement: POLE is on the minus strand). VCF-style: chr12-132643962-G-A. GRCh37 (hg19) VCF-style: chr12-133220548-G-A.
Other names: short protein forms P1389S.
Identifiers: ClinVar variation 3308406 (VCV003308406.1).